The following is an entry in ClinVar:

NM_000492.4(CFTR):c.316A>G (p.Ile106Val)

Gene: CFTR (CF transmembrane conductance regulator; plus strand). Cytogenetic location: 7q31.2.
Variant type: single nucleotide variant.
Coding change: c.316A>G on transcript NM_000492.4 (MANE Select); coding-DNA position 316, A replaced by G.
Protein change: p.Ile106Val; replaces isoleucine 106 with valine.
Molecular consequence: missense variant.
Genome position (GRCh38, 1-based): chr7:117,530,941, A>G. VCF-style: chr7-117530941-A-G. GRCh37 (hg19) VCF-style: chr7-117170995-A-G.
Other names: p.Ile106Val; short protein forms I106V.
Identifiers: ClinVar variation 497781 (VCV000497781.17), dbSNP rs1024092547, ClinGen allele CA164943625.
Genomic context (GRCh38, chr7:117,530,941, plus strand): 5'-GTTTTTCCCCTTTTGTAGGAAGTCACCAAAGCAGTACAGCCTCTCTTACTGGGAAGAATC[A>G]TAGCTTCCTATGACCCGGATAACAAGGAGGAACGCTCTATCGCGATTTATCTAGGCATAG-3'
Protein context (NP_000483.3, residues 96-116): AVQPLLLGRI[Ile106Val]ASYDPDNKEE

ClinVar aggregate classification (germline): Uncertain significance. Review status: criteria provided, multiple submitters, no conflicts (2 of 4 stars). 6 submissions from 6 submitters: Uncertain significance (6). Last evaluated 2025-06-17.

Conditions:
CFTR-related disorder (CFTR-RD). Also called: CFTR-related disorders; CFTR-related condition. Identifiers: MedGen C5924204, MONDO:7770004.
Cystic fibrosis (CF). Also called: MUCOVISCIDOSIS. Identifiers: Orphanet 586, MedGen C0010674, MONDO:0009061, OMIM 219700. Disease mechanism: loss of function.

Allele frequency attached by ClinVar (database versions not stated): gnomAD exomes below 0.00001; TOPMed below 0.00001.
gnomAD v4.1: 4 of 1,613,770 alleles (0.00025%); highest among the groups gnomAD compares: Middle Eastern, 0.017%; no homozygotes.

Submissions (6):

Mayo Clinic Laboratories, Mayo Clinic
Classification: Uncertain significance. Last evaluated: 2025-06-17. Review status: criteria provided, single submitter. Criteria: ACMG Guidelines, 2015. Collection method: clinical testing. Allele origin: germline. Observed: 1 variant allele.
Comment: PP3, PM2_supporting

PreventionGenetics, part of Exact Sciences
Classification: Uncertain significance for CFTR-related condition. Last evaluated: 2025-02-27. Review status: criteria provided, single submitter. Criteria: ACMG Guidelines, 2015. Collection method: clinical testing. Allele origin: germline.
Comment: The CFTR c.316A>G variant is predicted to result in the amino acid substitution p.Ile106Val. To our knowledge, this variant has not been reported in the literature or in a large population database (gnomAD), indicating this variant is rare. At this time, the clinical significance of this variant is uncertain due to the absence of conclusive functional and genetic evidence.

Ambry Genetics
Classification: Uncertain significance for Cystic fibrosis. Last evaluated: 2022-05-24. Review status: criteria provided, single submitter. Criteria: Ambry Variant Classification Scheme 2023. Collection method: clinical testing. Allele origin: germline.
Comment: The p.I106V variant (also known as c.316A>G), located in coding exon 4 of the CFTR gene, results from an A to G substitution at nucleotide position 316. The isoleucine at codon 106 is replaced by valine, an amino acid with highly similar properties. This amino acid position is highly conserved in available vertebrate species. In addition, this alteration is predicted to be deleterious by in silico analysis. Since supporting evidence is limited at this time, the clinical significance of this alteration remains unclear.

Labcorp Genetics (formerly Invitae), Labcorp
Classification: Uncertain significance for Cystic fibrosis. Last evaluated: 2021-09-02. Review status: criteria provided, single submitter. Criteria: Invitae Variant Classification Sherloc (09022015). Collection method: clinical testing. Allele origin: germline.
Comment: This sequence change replaces isoleucine with valine at codon 106 of the CFTR protein (p.Ile106Val). The isoleucine residue is moderately conserved and there is a small physicochemical difference between isoleucine and valine. This variant is not present in population databases (ExAC no frequency). This variant has not been reported in the literature in individuals affected with CFTR-related conditions. ClinVar contains an entry for this variant (Variation ID: 497781). Algorithms developed to predict the effect of missense changes on protein structure and function are either unavailable or do not agree on the potential impact of this missense change (SIFT: "Tolerated"; PolyPhen-2: "Possibly Damaging"; Align-GVGD: "Class C0"). In summary, the available evidence is currently insufficient to determine the role of this variant in disease. Therefore, it has been classified as a Variant of Uncertain Significance.

Genome-Nilou Lab
Classification: Uncertain significance for Cystic fibrosis. Last evaluated: 2021-07-14. Review status: criteria provided, single submitter. Criteria: ACMG Guidelines, 2015. Collection method: clinical testing. Allele origin: germline. Affected: no.

Eurofins Ntd Llc (ga)
Classification: Uncertain significance. Last evaluated: 2016-10-05. Review status: criteria provided, single submitter. Criteria: EGL Classification Definitions 2015. Collection method: clinical testing. Allele origin: germline. Observed: 1 variant allele, 1 heterozygote.